The following is an entry in ClinVar:

ClinVar aggregate classification (germline): Uncertain significance. Review status: criteria provided, multiple submitters, no conflicts (2 of 4 stars). 2 submissions from 2 submitters: Uncertain significance (2). Last evaluated 2025-10-17.

Conditions:
Cardiomyopathy (CMYO). Also called: Cardiomyopathies. Identifiers: Orphanet 167848, MedGen C0878544, MONDO:0004994, HP:0001638. Inheritance: Various modes of inheritance.
Hypertrophic cardiomyopathy 10. Also called: CARDIOMYOPATHY, HYPERTROPHIC, MID-LEFT VENTRICULAR CHAMBER TYPE, 2; MYL2-Related Familial Hypertrophic Cardiomyopathy. Identifiers: MedGen C1834460, MONDO:0012112, OMIM 608758.

Submissions (2):

3billion
Classification: Uncertain significance for Hypertrophic cardiomyopathy 10. Last evaluated: 2025-10-17. Review status: criteria provided, single submitter. Criteria: ACMG Guidelines, 2015. Collection method: clinical testing. Allele origin: germline. Affected: yes.
Comment: The variant is not observed in the gnomAD v4.1.0 dataset. Predicted Consequence/Location: Missense variant In silico tool predictions suggest damaging effect of the variant on gene or gene product [REVEL: 0.91 (>=0.6, sensitivity 0.68 and specificity 0.92); 3Cnet: 0.97 (> 0.75, sensitivity 0.96 and precision 0.92)]. The variant has been reported as of uncertain significance (ClinVar ID: VCV001331921; PMID: ; 3billion dataset). Different missense changes at the same codon have been reported as of uncertain significance (ClinVar ID: VCV003401039; PMID: ; 3billion dataset). Therefore, this variant is classified as VUS according to the recommendation of ACMG/AMP guideline.

Color Diagnostics, LLC DBA Color Health
Classification: Uncertain significance for Cardiomyopathy. Last evaluated: 2024-03-07. Review status: criteria provided, single submitter. Criteria: ACMG Guidelines, 2015. Collection method: clinical testing. Allele origin: germline.
Comment: This missense variant replaces aspartic acid with glycine at codon 37 of the MYL2 protein. Computational prediction suggests that this variant may have deleterious impact on protein structure and function (internally defined REVEL score threshold >= 0.7, PMID: 27666373). To our knowledge, functional studies have not been reported for this variant. This variant has not been reported in individuals affected with cardiovascular disorders in the literature. This variant has not been identified in the general population by the Genome Aggregation Database (gnomAD). The available evidence is insufficient to determine the role of this variant in disease conclusively. Therefore, this variant is classified as a Variant of Uncertain Significance.

NM_000432.4(MYL2):c.110A>G (p.Asp37Gly)

Gene: MYL2 (myosin light chain 2; minus strand). Cytogenetic location: 12q24.11.
Variant type: single nucleotide variant.
Coding change: c.110A>G on transcript NM_000432.4 (MANE Select); coding-DNA position 110, A replaced by G.
Protein change: p.Asp37Gly; replaces aspartic acid 37 with glycine.
Molecular consequence: missense variant.
Genome position (GRCh38, 1-based): chr12:110,915,774, T>C on the plus strand (A>G on the coding strand, the complement: MYL2 is on the minus strand). VCF-style: chr12-110915774-T-C. GRCh37 (hg19) VCF-style: chr12-111353578-T-C.
Other names: short protein forms D37G.
Identifiers: ClinVar variation 1331921 (VCV001331921.6), dbSNP rs2136774114, ClinGen allele CA386699514.